The following is an entry in ClinVar:

ClinVar aggregate classification (germline): Uncertain significance (1 of 4 stars; one submission).

Conditions:
Dilated cardiomyopathy 1J (CMD1J). Also called: CARDIOMYOPATHY, DILATED, WITH SENSORINEURAL HEARING LOSS, AUTOSOMAL DOMINANT. Identifiers: Orphanet 217622, MedGen C1854368, MONDO:0011541, OMIM 605362.

Submission:

Labcorp Genetics (formerly Invitae), Labcorp
Classification: Uncertain significance for Dilated cardiomyopathy 1J. Last evaluated: 2024-08-21. Review status: criteria provided, single submitter. Criteria: Invitae Variant Classification Sherloc (09022015). Collection method: clinical testing. Allele origin: germline.
Comment: This sequence change replaces cysteine, which is neutral and slightly polar, with glycine, which is neutral and non-polar, at codon 344 of the EYA4 protein (p.Cys344Gly). This variant is not present in population databases (gnomAD no frequency). This variant has not been reported in the literature in individuals affected with EYA4-related conditions. Invitae Evidence Modeling of protein sequence and biophysical properties (such as structural, functional, and spatial information, amino acid conservation, physicochemical variation, residue mobility, and thermodynamic stability) indicates that this missense variant is not expected to disrupt EYA4 protein function with a negative predictive value of 80%. In summary, the available evidence is currently insufficient to determine the role of this variant in disease. Therefore, it has been classified as a Variant of Uncertain Significance.

NM_004100.5(EYA4):c.1030T>G (p.Cys344Gly)

Gene: EYA4 (EYA transcriptional coactivator and phosphatase 4; plus strand). Cytogenetic location: 6q23.2.
Variant type: single nucleotide variant.
Coding change: c.1030T>G on transcript NM_004100.5 (MANE Select); coding-DNA position 1030, T replaced by G.
Protein change: p.Cys344Gly; replaces cysteine 344 with glycine.
Molecular consequence: missense variant.
Genome position (GRCh38, 1-based): chr6:133,481,522, T>G. VCF-style: chr6-133481522-T-G. GRCh37 (hg19) VCF-style: chr6-133802660-T-G.
Other names: c.868T>G, p.Cys290Gly (NM_001301012.2); c.1048T>G, p.Cys350Gly (NM_001301013.2); c.961T>G, p.Cys321Gly (NM_001370458.1, NM_172103.4); c.886T>G, p.Cys296Gly (NM_001370459.1); c.1030T>G, p.Cys344Gly (NM_172105.4); short protein forms C296G, C350G, C321G, C290G, C344G.
Identifiers: ClinVar variation 3663136 (VCV003663136.2).
Genomic context (GRCh38, chr6:133,481,522, plus strand): 5'-GGAGAGTTCGATACCATGCAGAGTCCCTCCACACCCATCAAAGATCTTGATGAGAGAACC[T>G]GTAGGAGTTCTGGGTCAAAGTCCAGAGGAAGAGGCCGGAAAAATAATCCCTCCCCGCCTC-3'
Protein context (NP_004091.3, residues 334-354): TPIKDLDERT[Cys344Gly]RSSGSKSRGR